The following is an entry in ClinVar:

NM_020921.4(NIN):c.2612A>G (p.Glu871Gly)

Gene: NIN (ninein; minus strand). Cytogenetic location: 14q22.1.
Variant type: single nucleotide variant.
Coding change: c.2612A>G on transcript NM_020921.4 (MANE Select); coding-DNA position 2612, A replaced by G.
Protein change: p.Glu871Gly; replaces glutamic acid 871 with glycine.
Molecular consequence: missense variant. On other transcripts: intron variant (1).
Genome position (GRCh38, 1-based): chr14:50,758,418, T>C on the plus strand (A>G on the coding strand, the complement: NIN is on the minus strand). VCF-style: chr14-50758418-T-C. GRCh37 (hg19) VCF-style: chr14-51225136-T-C.
Other names: c.2612A>G, p.Glu871Gly (NM_182944.3, NM_182946.2); c.2399+1439A>G (NM_016350.5); short protein forms E871G.
Identifiers: ClinVar variation 2101795 (VCV002101795.4), dbSNP rs754362567, ClinGen allele CA7181901.

ClinVar aggregate classification (germline): Uncertain significance (1 of 4 stars; one submission).

Allele frequency attached by ClinVar (database versions not stated): ExAC 0.00001; TOPMed 0.00001.
gnomAD v4.1: 1 of 1,614,030 alleles (0.000062%); no homozygotes.

Submission:

Labcorp Genetics (formerly Invitae), Labcorp
Classification: Uncertain significance. Last evaluated: 2025-08-11. Review status: criteria provided, single submitter. Criteria: Invitae Variant Classification Sherloc (09022015). Collection method: clinical testing. Allele origin: germline.
Comment: This sequence change replaces glutamic acid, which is acidic and polar, with glycine, which is neutral and non-polar, at codon 871 of the NIN protein (p.Glu871Gly). This variant is not present in population databases (gnomAD no frequency). This variant has not been reported in the literature in individuals affected with NIN-related conditions. ClinVar contains an entry for this variant (Variation ID: 2101795). An algorithm developed to predict the effect of missense changes on protein structure and function (PolyPhen-2) suggests that this variant is likely to be disruptive. In summary, the available evidence is currently insufficient to determine the role of this variant in disease. Therefore, it has been classified as a Variant of Uncertain Significance.